The following is an entry in ClinVar:

ClinVar aggregate classification (germline): Uncertain significance (1 of 4 stars; one submission).

Conditions:
Neuromuscular disease caused by qualitative or quantitative defects of dysferlin. Also called: Dysferlinopathy; Qualitative or quantitative defects of dysferlin. Identifiers: Orphanet 207073, MedGen C2931687, MONDO:0016145.

Allele frequency attached by ClinVar (database versions not stated): gnomAD exomes below 0.00001; gnomAD 0.00001; TOPMed 0.00001.
gnomAD v4.1: 5 of 1,614,090 alleles (0.00031%); highest among the groups gnomAD compares: African/African-American, 0.0013%; no homozygotes.

Submission:

Labcorp Genetics (formerly Invitae), Labcorp
Classification: Uncertain significance for Neuromuscular disease caused by qualitative or quantitative defects of dysferlin. Last evaluated: 2021-12-28. Review status: criteria provided, single submitter. Criteria: Invitae Variant Classification Sherloc (09022015). Collection method: clinical testing. Allele origin: germline.
Comment: This sequence change replaces glutamine, which is neutral and polar, with histidine, which is basic and polar, at codon 176 of the DYSF protein (p.Gln176His). This variant is present in population databases (no rsID available, gnomAD 0.01%). This variant has not been reported in the literature in individuals affected with DYSF-related conditions. Advanced modeling of protein sequence and biophysical properties (such as structural, functional, and spatial information, amino acid conservation, physicochemical variation, residue mobility, and thermodynamic stability) performed at Invitae indicates that this missense variant is not expected to disrupt DYSF protein function. In summary, the available evidence is currently insufficient to determine the role of this variant in disease. Therefore, it has been classified as a Variant of Uncertain Significance.

NM_001130987.2(DYSF):c.624A>C (p.Gln208His)

Gene: DYSF (dysferlin; plus strand). Cytogenetic location: 2p13.2.
Variant type: single nucleotide variant.
Coding change: c.624A>C on transcript NM_001130987.2 (MANE Select); coding-DNA position 624, A replaced by C.
Protein change: p.Gln208His; replaces glutamine 208 with histidine.
Molecular consequence: missense variant.
Genome position (GRCh38, 1-based): chr2:71,513,786, A>C. VCF-style: chr2-71513786-A-C. GRCh37 (hg19) VCF-style: chr2-71740916-A-C.
Other names: c.531A>C, p.Gln177His (NM_001130455.2, NM_001130983.2, NM_001130984.2 and 1 more transcripts); c.528A>C, p.Gln176His (NM_001130976.2, NM_001130977.2, NM_001130978.2 and 1 more transcripts); c.621A>C, p.Gln207His (NM_001130979.2, NM_001130980.2, NM_001130981.2); c.624A>C, p.Gln208His (NM_001130982.2, NM_001130985.2); short protein forms Q177H, Q208H, Q176H, Q207H.
Identifiers: ClinVar variation 2144380 (VCV002144380.1), dbSNP rs1332811162, ClinGen allele CA347207037.